The following is an entry in ClinVar:

NM_000548.5(TSC2):c.1785G>A (p.Gln595=)

Gene: TSC2 (TSC complex subunit 2; plus strand). Cytogenetic location: 16p13.3.
Variant type: single nucleotide variant.
Coding change: c.1785G>A on transcript NM_000548.5 (MANE Select); coding-DNA position 1785, G replaced by A.
Protein change: p.Gln595=; no amino-acid change (glutamine 595 retained).
Molecular consequence: synonymous variant.
Genome position (GRCh38, 1-based): chr16:2,070,524, G>A. VCF-style: chr16-2070524-G-A. GRCh37 (hg19) VCF-style: chr16-2120525-G-A.
Other names: c.1785G>A, p.Gln595= (NM_001077183.3, NM_001114382.3, NM_001363528.2 and 3 more transcripts); c.1674G>A, p.Gln558= (NM_001318827.2); c.1638G>A, p.Gln546= (NM_001318829.2); c.1185G>A, p.Gln395= (NM_001318831.2); c.1818G>A, p.Gln606= (NM_001318832.2).
Identifiers: ClinVar variation 178809 (VCV000178809.30), dbSNP rs150352976, ClinGen allele CA015710.

ClinVar aggregate classification (germline): Conflicting classifications of pathogenicity. Review status: criteria provided, conflicting classifications (1 of 4 stars). 7 submissions from 7 submitters: Uncertain significance (1); Benign (2); Likely benign (4). Last evaluated 2026-01-18.

Conditions:
Hereditary cancer-predisposing syndrome. Also called: Tumor predisposition; Neoplastic Syndromes, Hereditary; Hereditary neoplastic syndrome; Hereditary Cancer Syndrome. Identifiers: Orphanet 140162, MedGen C0027672, MeSH D009386, MONDO:0015356.
Tuberous sclerosis 2 (TSC2). Identifiers: Orphanet 805, MedGen C1860707, MONDO:0013199, OMIM 613254.

Allele frequency attached by ClinVar (database versions not stated): gnomAD exomes below 0.00001 and 0.00001; gnomAD 0.00001 and 0.00002; TOPMed 0.00002; ESP Exome Variant Server 0.00008.
gnomAD v4.1: 7 of 1,613,266 alleles (0.00043%); highest among the groups gnomAD compares: African/African-American, 0.0053%; no homozygotes.

Submissions (7):

Labcorp Genetics (formerly Invitae), Labcorp
Classification: Likely benign for Tuberous sclerosis 2. Last evaluated: 2026-01-18. Review status: criteria provided, single submitter. Criteria: Invitae Variant Classification Sherloc (09022015). Collection method: clinical testing. Allele origin: germline.

CeGaT Center for Human Genetics Tuebingen
Classification: Likely benign. Last evaluated: 2025-08-01. Review status: criteria provided, single submitter. Criteria: CeGaT Center For Human Genetics Tuebingen Variant Classification Criteria Version 2. Collection method: clinical testing. Allele origin: germline. Affected: yes. Observed: 1 variant allele.
Comment: TSC2: BP4, BP7

Myriad Genetics, Inc.
Classification: Benign for Tuberous sclerosis 2. Last evaluated: 2025-05-15. Review status: criteria provided, single submitter. Criteria: Myriad Autosomal Dominant, Autosomal Recessive and X-Linked Classification Criteria (2023). Collection method: clinical testing. Allele origin: unknown.
Comment: This variant is considered benign. This variant is a silent/synonymous amino acid change and it is not expected to impact splicing.

Sema4
Classification: Uncertain significance for Hereditary cancer-predisposing syndrome. Last evaluated: 2022-01-04. Review status: criteria provided, single submitter. Criteria: Sema4 Curation Guidelines. Collection method: curation. Allele origin: germline.
Comment: The TSC2 c.1785G>A (p.Q595=) variant has not been reported in the literature to our knowledge. It was observed in 2/24906 chromosomes of the African/African American subpopulation in the large and broad cohorts of the Genome Aggregation Database (PMID: 32461654). The variant has been reported in ClinVar (Variation ID 178809). The variant effects a moderately conserved nucleotide and in silico tools suggest that the variant does not impact splicing, though these predictions have not been confirmed by functional studies. The evidence is insufficient to meet ACMG/AMP criteria for classifying the variant as benign or pathogenic. Thus, the clinical significance of this variant is currently uncertain.

Genome-Nilou Lab
Classification: Benign for Tuberous sclerosis 2. Last evaluated: 2021-11-07. Review status: criteria provided, single submitter. Criteria: ACMG Guidelines, 2015. Collection method: clinical testing. Allele origin: germline. Affected: no.

Ambry Genetics
Classification: Likely benign for Hereditary cancer-predisposing syndrome. Last evaluated: 2019-01-28. Review status: criteria provided, single submitter. Criteria: Ambry Variant Classification Scheme 2023. Collection method: clinical testing. Allele origin: germline.

Laboratory for Molecular Medicine, Mass General Brigham Personalized Medicine
Classification: Likely benign. Last evaluated: 2013-02-21. Review status: criteria provided, single submitter. Criteria: LMM Criteria. Collection method: clinical testing. Allele origin: germline. Observed: 1 variant allele.
Comment: Gln595Gln in exon 17 of TSC2: This variant is not expected to have clinical sign ificance because it does not alter an amino acid residue and is not located with in the splice consensus sequence. It has been identified in 1/4396 African Ameri can chromosomes from a broad population by the NHLBI Exome Sequencing Project (dbSNP rs150352976).